The following is an entry in ClinVar:

NM_020987.5(ANK3):c.9328CAA[1] (p.Gln3111del)

Gene: ANK3 (ankyrin 3; minus strand). Cytogenetic location: 10q21.2.
Variant type: Microsatellite.
Coding change: c.9328CAA[1] on transcript NM_020987.5 (MANE Select); one copy of the 3-base unit CAA starting at c.9328; the reference has two copies in a row; one copy, 3 bases deleted.
Protein change: p.Gln3111del; deletes glutamine 3111.
Molecular consequence: inframe deletion. On other transcripts: intron variant (4).
Genome position (GRCh38, 1-based): chr10:60,071,548-60,071,550, TTG deleted on the plus strand (CAA on the coding strand, the reverse complement: ANK3 is on the minus strand); deleting any 3 consecutive bases within chr10:60,071,548-60,071,554 gives the same sequence; the position shown is the placement nearest the transcript's 3' end. VCF-style (leftmost placement, unchanged base first): chr10-60071547-CTTG-C. GRCh37 (hg19) VCF-style: chr10-61831305-CTTG-C.
Other names: c.4388-3541_4388-3539del (NM_001204403.2); c.4409-3541_4409-3539del (NM_001204404.2); c.4406-3541_4406-3539del (NM_001320874.2); c.1808-3541_1808-3539del (NM_001149.4); short protein forms Q3111del.
Identifiers: ClinVar variation 3027257 (VCV003027257.24), dbSNP rs766672357, ClinGen allele CA5511402.

ClinVar aggregate classification (germline): Uncertain significance. Review status: criteria provided, multiple submitters, no conflicts (2 of 4 stars). 2 submissions from 2 submitters: Uncertain significance (2). Last evaluated 2024-02-24.

Submissions (2):

Labcorp Genetics (formerly Invitae), Labcorp
Classification: Uncertain significance. Last evaluated: 2024-02-24. Review status: criteria provided, single submitter. Criteria: Invitae Variant Classification Sherloc (09022015). Collection method: clinical testing. Allele origin: germline.
Comment: This variant, c.9331_9333del, results in the deletion of 1 amino acid(s) of the ANK3 protein (p.Gln3111del), but otherwise preserves the integrity of the reading frame. This variant is present in population databases (rs766672357, gnomAD 0.002%). This variant has not been reported in the literature in individuals affected with ANK3-related conditions. Experimental studies and prediction algorithms are not available or were not evaluated, and the functional significance of this variant is currently unknown. In summary, the available evidence is currently insufficient to determine the role of this variant in disease. Therefore, it has been classified as a Variant of Uncertain Significance.

CeGaT Center for Human Genetics Tuebingen
Classification: Uncertain significance. Last evaluated: 2024-02-01. Review status: criteria provided, single submitter. Criteria: CeGaT Center For Human Genetics Tuebingen Variant Classification Criteria Version 2. Collection method: clinical testing. Allele origin: germline. Affected: yes. Observed: 1 variant allele.
Comment: ANK3: PM2, PM4:Supporting